The following is an entry in ClinVar:

ClinVar aggregate classification (germline): Benign/Likely benign. Review status: criteria provided, multiple submitters, no conflicts (2 of 4 stars). 3 submissions from 3 submitters: Benign (1); Likely benign (2). Last evaluated 2026-09-01.

Conditions:
Inborn genetic diseases. Identifiers: MedGen C0950123, MeSH D030342.

Allele frequency attached by ClinVar (database versions not stated): gnomAD exomes 0.00002 and 0.00007; gnomAD 0.00003; TOPMed 0.00003; ExAC 0.00007; ESP Exome Variant Server 0.00008; 1000 Genomes Project 30x 0.00016; 1000 Genomes Project 0.00020.
gnomAD v4.1: 29 of 1,614,196 alleles (0.0018%); highest among the groups gnomAD compares: Admixed American, 0.028%; no homozygotes.

Submissions (3):

CeGaT Center for Human Genetics Tuebingen
Classification: Likely benign. Last evaluated: 2026-09-01. Review status: criteria provided, single submitter. Criteria: CeGaT Center For Human Genetics Tuebingen Variant Classification Criteria Version 2. Collection method: clinical testing. Allele origin: germline. Affected: yes. Observed: 2 variant alleles.
Comment: NSD2: BP4

Labcorp Genetics (formerly Invitae), Labcorp
Classification: Benign. Last evaluated: 2024-10-17. Review status: criteria provided, single submitter. Criteria: Invitae Variant Classification Sherloc (09022015). Collection method: clinical testing. Allele origin: germline.

Ambry Genetics
Classification: Likely benign for Inborn genetic diseases. Last evaluated: 2022-07-12. Review status: criteria provided, single submitter. Criteria: Ambry Variant Classification Scheme 2023. Collection method: clinical testing. Allele origin: germline.

NM_001042424.3(NSD2):c.664G>A (p.Val222Ile)

Gene: NSD2 (nuclear receptor binding SET domain protein 2; plus strand). Cytogenetic location: 4p16.3.
Variant type: single nucleotide variant.
Coding change: c.664G>A on transcript NM_001042424.3 (MANE Select); coding-DNA position 664, G replaced by A.
Protein change: p.Val222Ile; replaces valine 222 with isoleucine.
Molecular consequence: missense variant.
Genome position (GRCh38, 1-based): chr4:1,904,282, G>A. VCF-style: chr4-1904282-G-A. GRCh37 (hg19) VCF-style: chr4-1906009-G-A.
Other names: c.664G>A, p.Val222Ile (NM_007331.2, NM_133330.3, NM_133331.3 and 2 more transcripts); short protein forms V222I.
Identifiers: ClinVar variation 1680156 (VCV001680156.10), dbSNP rs150146753, ClinGen allele CA2811933.